The following is an entry in ClinVar:

ClinVar aggregate classification (germline): Benign/Likely benign. Review status: criteria provided, multiple submitters, no conflicts (2 of 4 stars). 2 submissions from 2 submitters: Benign (1); Likely benign (1). Last evaluated 2025-01-22.

Conditions:
Familial cancer of breast. Also called: hereditary breast carcinoma; BREAST CANCER, FAMILIAL; Hereditary breast cancer. Identifiers: Orphanet 227535, MedGen C0346153, MONDO:0016419, OMIM 114480. Disease mechanism: loss of function.

Submissions (2):

Myriad Genetics, Inc.
Classification: Benign for Familial cancer of breast. Last evaluated: 2025-01-22. Review status: criteria provided, single submitter. Criteria: Myriad Autosomal Dominant, Autosomal Recessive and X-Linked Classification Criteria (2023). Collection method: clinical testing. Allele origin: unknown.
Comment: This variant is considered benign. This variant is a silent/synonymous amino acid change and it is not expected to impact splicing.

Cancer Genetics Laboratory, Peter MacCallum Cancer Centre
Classification: Likely benign for Familial cancer of breast. Last evaluated: 2015-06-01. Review status: criteria provided, single submitter. Criteria: Thompson et al. (Breast Cancer Res. 2015). Collection method: case-control. Allele origin: germline. Affected: no. Observed: 1 variant allele, 1 heterozygote.

NM_024675.4(PALB2):c.3294G>A (p.Lys1098=)

Gene: PALB2 (partner and localizer of BRCA2; minus strand). Cytogenetic location: 16p12.2.
Variant type: single nucleotide variant.
Coding change: c.3294G>A on transcript NM_024675.4 (MANE Select); coding-DNA position 3294, G replaced by A.
Protein change: p.Lys1098=; no amino-acid change (lysine 1098 retained).
Molecular consequence: synonymous variant.
Genome position (GRCh38, 1-based): chr16:23,607,920, C>T on the plus strand (G>A on the coding strand, the complement: PALB2 is on the minus strand). VCF-style: chr16-23607920-C-T. GRCh37 (hg19) VCF-style: chr16-23619241-C-T.
Identifiers: ClinVar variation 225859 (VCV000225859.4), dbSNP rs875989796, ClinGen allele CA10576107.